The following is an entry in ClinVar:

NM_001868.4(CPA1):c.267G>A (p.Met89Ile)

Gene: CPA1 (carboxypeptidase A1; plus strand). Cytogenetic location: 7q32.2.
Variant type: single nucleotide variant.
Coding change: c.267G>A on transcript NM_001868.4 (MANE Select); coding-DNA position 267, G replaced by A.
Protein change: p.Met89Ile; replaces methionine 89 with isoleucine.
Molecular consequence: missense variant.
Genome position (GRCh38, 1-based): chr7:130,381,749, G>A. VCF-style: chr7-130381749-G-A. GRCh37 (hg19) VCF-style: chr7-130021590-G-A.
Other names: c.267G>A (NM_001868.2); short protein forms M89I.
Identifiers: ClinVar variation 1945833 (VCV001945833.6), dbSNP rs2536005256, ClinGen allele CA369280066.

ClinVar aggregate classification (germline): Uncertain significance. Review status: criteria provided, multiple submitters, no conflicts (2 of 4 stars). 2 submissions from 2 submitters: Uncertain significance (2). Last evaluated 2026-08-04.

Conditions:
Hereditary pancreatitis (PCTT). Also called: PRSS1-Related Hereditary Pancreatitis; Hereditary chronic pancreatitis. Identifiers: Orphanet 676, MedGen C0238339, MONDO:0008185, OMIM 167800.

Submissions (2):

Ambry Genetics
Classification: Uncertain significance for Hereditary pancreatitis. Last evaluated: 2026-08-04. Review status: criteria provided, single submitter. Criteria: Ambry Variant Classification Scheme 2023. Collection method: clinical testing. Allele origin: germline.
Comment: The p.M89I variant (also known as c.267G>A), located in coding exon 3 of the CPA1 gene, results from a G to A substitution at nucleotide position 267. The methionine at codon 89 is replaced by isoleucine, an amino acid with highly similar properties. This amino acid position is conserved. In addition, this alteration is predicted to be tolerated by in silico analysis. Based on the available evidence, the clinical significance of this variant remains unclear.

Labcorp Genetics (formerly Invitae), Labcorp
Classification: Uncertain significance. Last evaluated: 2023-12-11. Review status: criteria provided, single submitter. Criteria: Invitae Variant Classification Sherloc (09022015). Collection method: clinical testing. Allele origin: germline.
Comment: This sequence change replaces methionine, which is neutral and non-polar, with isoleucine, which is neutral and non-polar, at codon 89 of the CPA1 protein (p.Met89Ile). This variant is not present in population databases (gnomAD no frequency). This variant has not been reported in the literature in individuals affected with CPA1-related conditions. ClinVar contains an entry for this variant (Variation ID: 1945833). Advanced modeling of protein sequence and biophysical properties (such as structural, functional, and spatial information, amino acid conservation, physicochemical variation, residue mobility, and thermodynamic stability) performed at Invitae indicates that this missense variant is not expected to disrupt CPA1 protein function with a negative predictive value of 80%. In summary, the available evidence is currently insufficient to determine the role of this variant in disease. Therefore, it has been classified as a Variant of Uncertain Significance.